The following is an entry in ClinVar:

ClinVar aggregate classification (germline): Uncertain significance (1 of 4 stars; one submission).

Submission:

CeGaT Center for Human Genetics Tuebingen
Classification: Uncertain significance. Last evaluated: 2024-07-01. Review status: criteria provided, single submitter. Criteria: CeGaT Center For Human Genetics Tuebingen Variant Classification Criteria Version 2. Collection method: clinical testing. Allele origin: germline. Affected: yes. Observed: 1 variant allele.
Comment: SYNE1: PM2

NM_182961.4(SYNE1):c.10T>G (p.Ser4Ala)

Gene: SYNE1 (spectrin repeat containing nuclear envelope protein 1; minus strand). Cytogenetic location: 6q25.2.
Variant type: single nucleotide variant.
Coding change: c.10T>G on transcript NM_182961.4 (MANE Select); coding-DNA position 10, T replaced by G.
Protein change: p.Ser4Ala; replaces serine 4 with alanine.
Molecular consequence: missense variant.
Genome position (GRCh38, 1-based): chr6:152,628,322, A>C on the plus strand (T>G on the coding strand, the complement: SYNE1 is on the minus strand). VCF-style: chr6-152628322-A-C. GRCh37 (hg19) VCF-style: chr6-152949457-A-C.
Other names: c.10T>G, p.Ser4Ala (NM_033071.5); short protein forms S4A.
Identifiers: ClinVar variation 3257483 (VCV003257483.17).